The following is an entry in ClinVar:

NM_001370259.2(MEN1):c.1247dup (p.Tyr417fs)

Gene: MEN1 (menin 1; minus strand). Cytogenetic location: 11q13.1.
Variant type: Duplication.
Coding change: c.1247dup on transcript NM_001370259.2 (MANE Select); coding-DNA position 1247, one base duplicated (T; older notation c.1247dupT).
Protein change: p.Tyr417fs; shifts the reading frame from tyrosine 417.
Molecular consequence: frameshift variant.
Genome position (GRCh38, 1-based): chr11:64,805,137, A duplicated on the plus strand (T on the coding strand, the reverse complement: MEN1 is on the minus strand); the first of 2 consecutive A bases (chr11:64,805,137-64,805,138); duplicating either gives the same sequence. VCF-style (leftmost placement, unchanged base first): chr11-64805136-G-GA. GRCh37 (hg19) VCF-style: chr11-64572608-G-GA.
Other names: c.1247dupT (NM_130799.2); c.1262dup, p.Tyr422fs (NM_000244.4, NM_130800.3, NM_130801.3 and 3 more transcripts); c.1373dup, p.Tyr459fs (NM_001370251.2); c.1247dup, p.Tyr417fs (NM_001370260.2, NM_001370261.2, NM_130799.3); c.1142dup, p.Tyr382fs (NM_001370262.2, NM_001370263.2); short protein forms Y382fs, Y417fs, Y422fs, Y459fs.
Identifiers: ClinVar variation 545861 (VCV000545861.3), dbSNP rs1555164305, ClinGen allele CA658822915.
Genomic context (GRCh38, chr11:64,805,136, plus strand): 5'-CCAGCCCACATGCAGCACAGGCGTGGGACTGCCCTCCTCCCATTTGCAGATGCCGTCGTA[G>GA]AATCGCAGCAGGTGGGCGAAGCACTCAGGGTCCTGGAGGGCGGAACCTTGGCTCTGGGTG-3'

ClinVar aggregate classification (germline): Pathogenic (1 of 4 stars; one submission).

Submission:

GeneDx
Classification: Pathogenic. Last evaluated: 2018-01-09. Review status: criteria provided, single submitter. Criteria: GeneDx Variant Classification (06012015). Collection method: clinical testing. Allele origin: germline. Affected: yes.
Comment: This duplication of one nucleotide in MEN1 is denoted c.1247dupT at the cDNA level and p.Tyr417LeufsX32 (Y417LfsX32) at the protein level. The normal sequence, with the base that is duplicated in brackets, is CGAT[dupT]CTAC. The duplication causes a frameshift which changes a Tyrosine to a Leucine at codon 417, and creates a premature stop codon at position 32 of the new reading frame. Although this variant has not, to our knowledge, been reported in the literature, it is predicted to cause loss of normal protein function through protein truncation. The disrupted region at the end of the gene includes the nuclear localization signals and several modified residues (Guru 1998, UniProt). We consider MEN1 c.1247dupT to be pathogenic.